The following is an entry in ClinVar:

NM_007078.3(LDB3):c.324C>A (p.Asp108Glu)

Gene: LDB3 (LIM domain binding 3; plus strand). Cytogenetic location: 10q23.2.
Variant type: single nucleotide variant.
Coding change: c.324C>A on transcript NM_007078.3 (MANE Select); coding-DNA position 324, C replaced by A.
Protein change: p.Asp108Glu; replaces aspartic acid 108 with glutamic acid.
Molecular consequence: missense variant. On other transcripts: intron variant (5).
Genome position (GRCh38, 1-based): chr10:86,681,438, C>A. VCF-style: chr10-86681438-C-A. GRCh37 (hg19) VCF-style: chr10-88441195-C-A.
Other names: c.321+1281C>A (NM_001080116.1, NM_001368068.1, NM_001368066.1 and 2 more transcripts); c.324C>A (NM_007078.2); c.324C>A, p.Asp108Glu (NM_001080115.2, NM_001171610.2, NM_001171611.2 and 3 more transcripts); short protein forms D108E.
Identifiers: ClinVar variation 700267 (VCV000700267.12), dbSNP rs1322226509, ClinGen allele CA377452917.

ClinVar aggregate classification (germline): Uncertain significance. Review status: criteria provided, multiple submitters, no conflicts (2 of 4 stars). 2 submissions from 2 submitters: Uncertain significance (2). Last evaluated 2023-05-23.

Conditions:
Myofibrillar myopathy 4. Also called: Zaspopathy (type). Identifiers: Orphanet 98912, MedGen C4721886, MONDO:0012277, OMIM 609452.
Cardiovascular phenotype. Identifiers: MedGen CN230736.

Allele frequency attached by ClinVar (database versions not stated): gnomAD 0.00001; TOPMed 0.00002.

Submissions (2):

Labcorp Genetics (formerly Invitae), Labcorp
Classification: Uncertain significance for Myofibrillar myopathy 4. Last evaluated: 2023-05-23. Review status: criteria provided, single submitter. Criteria: Invitae Variant Classification Sherloc (09022015). Collection method: clinical testing. Allele origin: germline.
Comment: This missense change has been observed in individual(s) with clinical features of myofibrillar myopathy (Invitae). This variant is not present in population databases (gnomAD no frequency). This sequence change replaces aspartic acid, which is acidic and polar, with glutamic acid, which is acidic and polar, at codon 108 of the LDB3 protein (p.Asp108Glu). The LDB3 gene has multiple clinically relevant transcripts. This variant occurs in alternate transcript NM_007078.3, and corresponds to NM_001080116.1:c.321+1281C>A in the primary transcript. ClinVar contains an entry for this variant (Variation ID: 700267). In summary, the available evidence is currently insufficient to determine the role of this variant in disease. Therefore, it has been classified as a Variant of Uncertain Significance. Algorithms developed to predict the effect of sequence changes on RNA splicing suggest that this variant is not likely to affect RNA splicing. Experimental studies and prediction algorithms are not available or were not evaluated, and the functional significance of this variant is currently unknown.

Ambry Genetics
Classification: Uncertain significance for Cardiovascular phenotype. Last evaluated: 2022-07-19. Review status: criteria provided, single submitter. Criteria: Ambry Variant Classification Scheme 2023. Collection method: clinical testing. Allele origin: germline.
Comment: The p.D108E variant (also known as c.324C>A), located in coding exon 4 of the LDB3 gene, results from a C to A substitution at nucleotide position 324. The aspartic acid at codon 108 is replaced by glutamic acid, an amino acid with highly similar properties. This amino acid position is conserved. In addition, this alteration is predicted to be tolerated by in silico analysis. Since supporting evidence is limited at this time, the clinical significance of this alteration remains unclear.